The following is an entry in ClinVar:

ClinVar aggregate classification (germline): Uncertain significance (1 of 4 stars; one submission).

Allele frequency attached by ClinVar (database versions not stated): TOPMed 0.00001.
gnomAD v4.1: 40 of 1,545,730 alleles (0.0026%); highest among the groups gnomAD compares: Non-Finnish European, 0.0033%; no homozygotes.

Submission:

GeneDx
Classification: Uncertain significance. Last evaluated: 2022-08-18. Review status: criteria provided, single submitter. Criteria: GeneDx Variant Classification Process June 2021. Collection method: clinical testing. Allele origin: germline. Affected: yes.
Comment: Not observed at significant frequency in large population cohorts (gnomAD); In silico analysis supports that this missense variant has a deleterious effect on protein structure/function; Has not been previously published as pathogenic or benign to our knowledge

NM_001292063.2(OTOG):c.4191C>G (p.Cys1397Trp)

Gene: OTOG (otogelin; plus strand). Cytogenetic location: 11p15.1.
Variant type: single nucleotide variant.
Coding change: c.4191C>G on transcript NM_001292063.2 (MANE Select); coding-DNA position 4191, C replaced by G.
Protein change: p.Cys1397Trp; replaces cysteine 1397 with tryptophan.
Molecular consequence: missense variant.
Genome position (GRCh38, 1-based): chr11:17,608,330, C>G. VCF-style: chr11-17608330-C-G. GRCh37 (hg19) VCF-style: chr11-17629877-C-G.
Other names: c.4227C>G, p.Cys1409Trp (NM_001277269.2); short protein forms C1397W, C1409W.
Identifiers: ClinVar variation 2430461 (VCV002430461.1), dbSNP rs757035489, ClinGen allele CA218474030.
Genomic context (GRCh38, chr11:17,608,330, plus strand): 5'-AGTTGCTGCCCCATCTCACTTTCTAGATGCCAAGCCCTCGGGGGCTGCCTACCCCATCTG[C>G]GAGTGGCGCTACGATGCCTGTGCCAGCCCCTGCTTCCAAACCTGCCGGGACCCACGGGCA-3'
Protein context (NP_001278992.1, residues 1387-1407): AKPSGAAYPI[Cys1397Trp]EWRYDACASP